The following is an entry in ClinVar:

ClinVar aggregate classification (germline): Uncertain significance. Review status: criteria provided, single submitter (1 of 4 stars). 2 submissions from 2 submitters: Uncertain significance (1). 1 of the submissions does not count toward it. Last evaluated 2018-01-13.

Conditions:
EPB42-related disorder. Also called: EPB42-related condition.
Hereditary spherocytosis type 5. Also called: EPB42-Related Spherocytosis; EPB42-Related Hereditary Spherocytosis. Identifiers: Orphanet 822, MedGen C2675192, MONDO:0012985, OMIM 612690.

Allele frequency attached by ClinVar (database versions not stated): gnomAD 0.00004 and 0.00005; TOPMed 0.00005; gnomAD exomes 0.00007; ExAC 0.00008; 1000 Genomes Project 30x 0.00016; 1000 Genomes Project 0.00020.
gnomAD v4.1: 102 of 1,614,228 alleles (0.0063%); highest among the groups gnomAD compares: Non-Finnish European, 0.0083%; no homozygotes.

Submissions (2):

Illumina Laboratory Services, Illumina
Classification: Uncertain significance for Hereditary spherocytosis type 5. Last evaluated: 2018-01-13. Review status: criteria provided, single submitter. Criteria: ICSL Variant Classification Criteria 13 December 2019. Collection method: clinical testing. Allele origin: germline.

PreventionGenetics, part of Exact Sciences
Classification: Likely benign for EPB42-related condition. Last evaluated: 2021-03-17. Review status: no assertion criteria provided. Collection method: clinical testing. Allele origin: germline. Not counted in ClinVar's aggregate classification.
Comment: This variant is classified as likely benign based on ACMG/AMP sequence variant interpretation guidelines (Richards et al. 2015 PMID: 25741868, with internal and published modifications).

NM_001114134.2(EPB42):c.210C>T (p.Ser70=)

Gene: EPB42 (erythrocyte membrane protein band 4.2; minus strand). Cytogenetic location: 15q15.2.
Variant type: single nucleotide variant.
Coding change: c.210C>T on transcript NM_001114134.2 (MANE Select); coding-DNA position 210, C replaced by T.
Protein change: p.Ser70=; no amino-acid change (serine 70 retained).
Molecular consequence: synonymous variant.
Genome position (GRCh38, 1-based): chr15:43,215,315, G>A on the plus strand (C>T on the coding strand, the complement: EPB42 is on the minus strand). VCF-style: chr15-43215315-G-A. GRCh37 (hg19) VCF-style: chr15-43507513-G-A.
Other names: c.300C>T, p.Ser100= (NM_000119.3).
Identifiers: ClinVar variation 316025 (VCV000316025.7), dbSNP rs180830933, ClinGen allele CA7520656.